The following is an entry in ClinVar:

ClinVar aggregate classification (germline): Pathogenic/Likely pathogenic. Review status: criteria provided, multiple submitters, no conflicts (2 of 4 stars). 3 submissions from 3 submitters: Pathogenic (2); Likely pathogenic (1). Last evaluated 2025-04-09.

Conditions:
Hyperprolinemia type 2 (HYRPRO2). Also called: 1-PYRROLINE-5-CARBOXYLATE DEHYDROGENASE DEFICIENCY; Deficiency of pyrroline-5-carboxylate reductase; Delta-1-pyrroline-5-carboxylate dehydrogenase deficiency. Identifiers: Orphanet 79101, MedGen C2931835, MONDO:0009401, OMIM 239510.

Allele frequency attached by ClinVar (database versions not stated): ExAC 0.00001; gnomAD 0.00001; gnomAD exomes 0.00001.

Submissions (3):

Labcorp Genetics (formerly Invitae), Labcorp
Classification: Pathogenic for Hyperprolinemia type 2. Last evaluated: 2025-04-09. Review status: criteria provided, single submitter. Criteria: Invitae Variant Classification Sherloc (09022015). Collection method: clinical testing. Allele origin: germline.
Comment: This sequence change creates a premature translational stop signal (p.Arg47*) in the ALDH4A1 gene. It is expected to result in an absent or disrupted protein product. Loss-of-function variants in ALDH4A1 are known to be pathogenic (PMID: 956388, 4369405, 9700195). The frequency data for this variant in the population databases is considered unreliable, as metrics indicate poor data quality at this position in the gnomAD database. This variant has not been reported in the literature in individuals affected with ALDH4A1-related conditions. ClinVar contains an entry for this variant (Variation ID: 1333353). For these reasons, this variant has been classified as Pathogenic.

Fulgent Genetics
Classification: Likely pathogenic for Hyperprolinemia type 2. Last evaluated: 2022-03-01. Review status: criteria provided, single submitter. Criteria: ACMG Guidelines, 2015. Collection method: clinical testing. Allele origin: unknown.

3billion
Classification: Pathogenic for Hyperprolinemia type 2. Last evaluated: 2022-01-03. Review status: criteria provided, single submitter. Criteria: ACMG Guidelines, 2015. Collection method: clinical testing. Allele origin: germline. Affected: yes. Observed: 1 homozygote.
Comment: Stop-gained (nonsense): predicted to result in a loss or disruption of normal protein function through nonsense-mediated decay (NMD) or protein truncation. Multiple pathogenic variants are reported downstream of the variant (PVS1_VS). It is observed at an extremely low frequency in the gnomAD v2.1.1 dataset (total allele frequency: 0.000012, PM2_M). Patient’s phenotype is considered compatible with ALDH4A1-related disorder (PP4_P). Therefore, this variant is classified as pathogenic according to the recommendation of ACMG/AMP guideline.

Literature cited by the submitters: PubMed 956388 (cited by Labcorp Genetics (formerly Invitae), Labcorp); PubMed 4369405 (cited by Labcorp Genetics (formerly Invitae), Labcorp); PubMed 9700195 (cited by Labcorp Genetics (formerly Invitae), Labcorp).

NM_003748.4(ALDH4A1):c.139C>T (p.Arg47Ter)

Gene: ALDH4A1 (aldehyde dehydrogenase 4 family member A1; minus strand). Cytogenetic location: 1p36.13.
Variant type: single nucleotide variant.
Coding change: c.139C>T on transcript NM_003748.4 (MANE Select); coding-DNA position 139, C replaced by T.
Protein change: p.Arg47Ter; replaces arginine 47 with a stop codon.
Molecular consequence: nonsense. On other transcripts: 5 prime UTR variant (1).
Genome position (GRCh38, 1-based): chr1:18,890,029, G>A on the plus strand (C>T on the coding strand, the complement: ALDH4A1 is on the minus strand). VCF-style: chr1-18890029-G-A. GRCh37 (hg19) VCF-style: chr1-19216523-G-A.
Other names: c.-42C>T (NM_001161504.2); c.139C>T, p.Arg47Ter (NM_001319218.2, NM_170726.3); short protein forms R47*.
Identifiers: ClinVar variation 1333353 (VCV001333353.3), dbSNP rs756807746, ClinGen allele CA647477.